The following is an entry in ClinVar:

ClinVar aggregate classification (germline): Uncertain significance. Review status: criteria provided, multiple submitters, no conflicts (2 of 4 stars). 2 submissions from 2 submitters: Uncertain significance (2). Last evaluated 2024-06-13.

Conditions:
Diabetes mellitus. Also called: Diabetes mellitus (disease). Identifiers: MedGen C0011849, MONDO:0005015, HP:0000819.

gnomAD v4.1: 27 of 1,614,142 alleles (0.0017%); highest among the groups gnomAD compares: Non-Finnish European, 0.0022%; no homozygotes.

Submissions (2):

Molecular Genetics, Royal Melbourne Hospital
Classification: Uncertain significance for Diabetes mellitus. Last evaluated: 2024-06-13. Review status: criteria provided, single submitter. Criteria: ACMG Guidelines, 2015. Collection method: clinical testing. Allele origin: germline. Inheritance: Autosomal dominant inheritance. Affected: yes.

Labcorp Genetics (formerly Invitae), Labcorp
Classification: Uncertain significance. Last evaluated: 2022-10-16. Review status: criteria provided, single submitter. Criteria: Invitae Variant Classification Sherloc (09022015). Collection method: clinical testing. Allele origin: germline.
Comment: In summary, the available evidence is currently insufficient to determine the role of this variant in disease. Therefore, it has been classified as a Variant of Uncertain Significance. Advanced modeling of protein sequence and biophysical properties (such as structural, functional, and spatial information, amino acid conservation, physicochemical variation, residue mobility, and thermodynamic stability) performed at Invitae indicates that this missense variant is not expected to disrupt HNF1B protein function. This variant has not been reported in the literature in individuals affected with HNF1B-related conditions. This variant is present in population databases (no rsID available, gnomAD 0.002%). This sequence change replaces proline, which is neutral and non-polar, with serine, which is neutral and polar, at codon 328 of the HNF1B protein (p.Pro328Ser).

NM_000458.4(HNF1B):c.982C>T (p.Pro328Ser)

Gene: HNF1B (HNF1 homeobox B; minus strand). Cytogenetic location: 17q12.
Variant type: single nucleotide variant.
Coding change: c.982C>T on transcript NM_000458.4 (MANE Select); coding-DNA position 982, C replaced by T.
Protein change: p.Pro328Ser; replaces proline 328 with serine.
Molecular consequence: missense variant.
Genome position (GRCh38, 1-based): chr17:37,731,658, G>A on the plus strand (C>T on the coding strand, the complement: HNF1B is on the minus strand). VCF-style: chr17-37731658-G-A. GRCh37 (hg19) VCF-style: chr17-36091649-G-A.
Other names: c.904C>T, p.Pro302Ser (NM_001165923.4, NM_001304286.2); c.982C>T, p.Pro328Ser (NM_001411100.1); short protein forms P302S, P328S.
Identifiers: ClinVar variation 2882789 (VCV002882789.2), dbSNP rs986828416, ClinGen allele CA290281999.
Genomic context (GRCh38, chr17:37,731,658, plus strand): 5'-ACAGCTTGTTTGGAGGAGAGGAGCTGGGCTGGTGGTGGGGGGAGCCGTGGGAGAGCAGAG[G>A]GTTCAGGCTGTGAGTCTGGTTGGAGCTATAGGCGTCCATGGCCAGCTTTTGCCGGAATGC-3'
Protein context (NP_000449.1, residues 318-338): YSSNQTHSLN[Pro328Ser]LLSHGSPHHQ